The following is an entry in ClinVar:

ClinVar aggregate classification (germline): Uncertain significance. Review status: criteria provided, multiple submitters, no conflicts (2 of 4 stars). 2 submissions from 2 submitters: Uncertain significance (2). Last evaluated 2026-03-24.

Allele frequency attached by ClinVar (database versions not stated): gnomAD 0.00005; ExAC 0.00003; ESP Exome Variant Server 0.00008.
gnomAD v4.1: 217 of 1,613,530 alleles (0.013%); highest among the groups gnomAD compares: Non-Finnish European, 0.016%; no homozygotes.

Submissions (2):

GeneDx
Classification: Uncertain significance. Last evaluated: 2026-03-24. Review status: criteria provided, single submitter. Criteria: GeneDx Variant Classification Process June 2021. Collection method: clinical testing. Allele origin: germline.
Comment: In silico analysis suggests that this missense variant does not alter protein structure/function; Has not been previously published as pathogenic or benign to our knowledge

Ambry Genetics
Classification: Uncertain significance. Last evaluated: 2025-09-25. Review status: criteria provided, single submitter. Criteria: Ambry Variant Classification Scheme 2023. Collection method: clinical testing. Allele origin: germline.

NM_001145165.2(DOHH):c.283C>A (p.Leu95Met)

Gene: DOHH (deoxyhypusine hydroxylase; minus strand). Cytogenetic location: 19p13.3.
Variant type: single nucleotide variant.
Coding change: c.283C>A on transcript NM_001145165.2 (MANE Select); coding-DNA position 283, C replaced by A.
Protein change: p.Leu95Met; replaces leucine 95 with methionine.
Molecular consequence: missense variant.
Genome position (GRCh38, 1-based): chr19:3,494,096, G>T on the plus strand (C>A on the coding strand, the complement: DOHH is on the minus strand). VCF-style: chr19-3494096-G-T. GRCh37 (hg19) VCF-style: chr19-3494094-G-T.
Other names: c.283C>A, p.Leu95Met (NM_031304.5); short protein forms L95M.
Identifiers: ClinVar variation 2596290 (VCV002596290.4), dbSNP rs374317949, ClinGen allele CA9077945.